The following is an entry in ClinVar:

NM_001034853.2(RPGR):c.2006G>A (p.Trp669Ter)

Gene: RPGR (retinitis pigmentosa GTPase regulator; minus strand). Cytogenetic location: Xp11.4.
Variant type: single nucleotide variant.
Coding change: c.2006G>A on transcript NM_001034853.2 (MANE Select); coding-DNA position 2006, G replaced by A.
Protein change: p.Trp669Ter; replaces tryptophan 669 with a stop codon.
Molecular consequence: nonsense. On other transcripts: intron variant (8).
Genome position (GRCh38, 1-based): chrX:38,286,993, C>T on the plus strand (G>A on the coding strand, the complement: RPGR is on the minus strand). VCF-style: chrX-38286993-C-T. GRCh37 (hg19) VCF-style: chrX-38146246-C-T.
Other names: NM_001034853.2(RPGR):c.2006G>A; p.Trp669Ter; c.1569+3966G>A (NM_001367249.1, NM_001367250.1); c.1902+101G>A (NM_001367245.1); c.1386+3966G>A (NM_001367251.1); c.1719+101G>A (NM_001367246.1); c.1572+3966G>A (NM_001367247.1); c.1905+101G>A (NM_000328.3); and 1 more; short protein forms W669*.
Identifiers: ClinVar variation 975137 (VCV000975137.9), dbSNP rs2067196800, ClinGen allele CA412731791.
Genomic context (GRCh38, chrX:38,286,993, plus strand): 5'-GGCCTCTCCATTTCTCCTCTACCCTTGTCTTTCTCCCCCTTCTCCCTCTCCTCATCTTGC[C>T]AGTGTTCTGCTCCTGAACTACCTTCCTCACAGGTTCCATCCCCTCTACCTTCAGGCCCAT-3'

ClinVar aggregate classification (germline): Pathogenic. Review status: reviewed by expert panel (3 of 4 stars). 4 submissions from 4 submitters: Pathogenic (1). 3 of the submissions do not count toward it. Last evaluated 2026-11-20.

Conditions:
RPGR-related retinopathy. Also called: RPGR retinopathy. Identifiers: MedGen CN305589, MONDO:0100437.
RPGR-related disorder. Also called: RPGR-related condition.
Primary ciliary dyskinesia. Also called: Ciliary dyskinesia. Identifiers: Orphanet 244, MedGen C0008780, MONDO:0016575, HP:0012265.

Submissions (4):

ClinGen X-linked Inherited Retinal Disease Variant Curation Expert Panel, ClinGen
Classification: Pathogenic for RPGR-related retinopathy. Last evaluated: 2026-11-20. Review status: reviewed by expert panel. Criteria: ClinGen X LinkedIRD ACMG Specifications RPGR V1.0.0. Collection method: curation. Allele origin: germline. Inheritance: X-linked inheritance.
Comment: The NM_001034853.2(RPGR):c.2006G>A variant is a nonsense variant that introduces a premature stop codon between amino acids 1-1132 that is predicted to either trigger nonsense-mediated decay or to disrupt a critical C-terminal region required for proper glutamylation of RPGR (PVS1, PMID: 36445968). This variant is absent from hemizygous individuals in gnomAD v4.1.2 (PM2_Supporting). At least one proband harboring this variant exhibits a phenotype including <30-year-old, extinguish on ERG, full‐field ERG demonstrated extinguished or severely reduced dark‐adapted and light‐adapted responses, with significant reductions of a and b waves (1 point), night blindness (0.5 points), constricted vision field (0.5 points), bone spicule pigmentation deposit (0.5 points), vision decline (0.5 points), waxy‐pale optic disc (0.5 points), attenuated retinal arteries, and testing using a 100+ gene retinal dystrophy panel (2 points), which together are specific for RPGR-related retinopathy (5.5 points, PMID: 31960602, 25356976, PP4). This variant has been reported in at least 1 apparently unrelated probands (PMID: 34985506). However, the number of individuals meeting the PS4 requirement of a male with some functional vision impairment by age 30 and/or decreased or absent ERG responses, or a female with functional visual abnormality and documentation of a male relative affected with retinitis pigmentosa was fewer than the requirement of at least 2 unrelated probands, so PS4_Supporting was not met. In summary, this variant is classified as pathogenic for RPGR-related retinopathy based on the ACMG/AMP criteria applied, as specified by the ClinGen X-linked IRD VCEP: PVS1, PS2_Supporting, and PP4.

Labcorp Genetics (formerly Invitae), Labcorp
Classification: Pathogenic for Primary ciliary dyskinesia. Last evaluated: 2024-12-16. Review status: criteria provided, single submitter. Criteria: Invitae Variant Classification Sherloc (09022015). Collection method: clinical testing. Allele origin: germline. Not counted in ClinVar's aggregate classification.
Comment: This sequence change creates a premature translational stop signal (p.Trp669*) in the RPGR (ORF15) gene. While this is not anticipated to result in nonsense mediated decay, it is expected to disrupt the last 484 amino acid(s) of the RPGR (ORF15) protein. This variant is not present in population databases (gnomAD no frequency). This premature translational stop signal has been observed in individual(s) with clinical features of retinitis pigmentosa (PMID: 25356976, 31960602; internal data). In at least one individual the variant was observed to be de novo. ClinVar contains an entry for this variant (Variation ID: 975137). For these reasons, this variant has been classified as Pathogenic.

GeneDx
Classification: Pathogenic. Last evaluated: 2023-06-21. Review status: criteria provided, single submitter. Criteria: GeneDx Variant Classification Process June 2021. Collection method: clinical testing. Allele origin: germline. Affected: yes. Not counted in ClinVar's aggregate classification.
Comment: Nonsense variant predicted to result in protein truncation, as the last 484 amino acids are lost, and other loss-of-function variants have been reported downstream in HGMD; Not observed at significant frequency in large population cohorts (gnomAD); This variant is associated with the following publications: (PMID: 25356976, 31960602, 34985506)

Blueprint Genetics
Classification: Pathogenic for RPGR-related disorders. Last evaluated: 2019-10-08. Review status: criteria provided, single submitter. Criteria: ACMG Guidelines, 2015. Collection method: clinical testing. Allele origin: germline. Affected: yes. Observed: 5 variant alleles. Not counted in ClinVar's aggregate classification.

Literature cited by the submitters: PubMed 25356976 (cited by Labcorp Genetics (formerly Invitae), Labcorp); PubMed 31960602 (cited by Labcorp Genetics (formerly Invitae), Labcorp).